The following is an entry in ClinVar:

NM_006662.3(SRCAP):c.148del (p.His50fs)

Gene: SRCAP (Snf2 related CREBBP activator protein; plus strand). Cytogenetic location: 16p11.2.
Variant type: Deletion.
Coding change: c.148del on transcript NM_006662.3 (MANE Select); coding-DNA position 148, one base deleted (C; older notation c.148delC).
Protein change: p.His50fs; shifts the reading frame from histidine 50.
Molecular consequence: frameshift variant.
Genome position (GRCh38, 1-based): chr16:30,704,157, C deleted. VCF-style (leftmost placement, unchanged base first): chr16-30704156-GC-G. GRCh37 (hg19) VCF-style: chr16-30715477-GC-G.
Other names: short protein forms H50fs.
Identifiers: ClinVar variation 995439 (VCV000995439.8), dbSNP rs2052800289, ClinGen allele CA2216697801.
Genomic context (GRCh38, chr16:30,704,156, plus strand): 5'-TGTGTCCCCTGCCTCATCCAGTTCCCCAGCCTCTAGTGGGGCAGGCGGCATCTCCCCGCA[GC>G]ACATAGCTCAAGATTCCTCACTGGATGGACCTCCAGGCCCCCCAGATGGTGCCACAGTGC-3'

ClinVar aggregate classification (germline): Pathogenic. Review status: criteria provided, single submitter (1 of 4 stars). 2 submissions from 2 submitters: Pathogenic (1). 1 of the submissions does not count toward it. Last evaluated 2021-12-10.

Conditions:
Neurodevelopmental disorder. Identifiers: MedGen C1535926, MeSH D065886, MONDO:0700092.

Submissions (2):

Labcorp Genetics (formerly Invitae), Labcorp
Classification: Pathogenic. Last evaluated: 2021-12-10. Review status: criteria provided, single submitter. Criteria: Invitae Variant Classification Sherloc (09022015). Collection method: clinical testing. Allele origin: germline.
Comment: This sequence change creates a premature translational stop signal (p.His50Thrfs*2) in the SRCAP gene. It is expected to result in an absent or disrupted protein product. Loss-of-function variants in SRCAP are known to be pathogenic (PMID: 33909990). This variant is not present in population databases (gnomAD no frequency). This variant has not been reported in the literature in individuals affected with SRCAP-related conditions. ClinVar contains an entry for this variant (Variation ID: 995439). Algorithms developed to predict the effect of sequence changes on RNA splicing suggest that this variant may create or strengthen a splice site. For these reasons, this variant has been classified as Pathogenic.

Joint Genome Diagnostic Labs from Nijmegen and Maastricht, Radboudumc and MUMC+
Classification: Likely pathogenic for Neurodevelopmental disorder. Last evaluated: 2021-01-10. Review status: no assertion criteria provided. Collection method: research. Allele origin: de novo. Affected: yes. Not counted in ClinVar's aggregate classification.

Literature cited by the submitters: PubMed 33909990 (cited by Labcorp Genetics (formerly Invitae), Labcorp and Joint Genome Diagnostic Labs from Nijmegen and Maastricht, Radboudumc and MUMC+).